The following is an entry in ClinVar:

NM_000088.4(COL1A1):c.4172A>G (p.Gln1391Arg)

Gene: COL1A1 (collagen type I alpha 1 chain; minus strand). Cytogenetic location: 17q21.33.
Variant type: single nucleotide variant.
Coding change: c.4172A>G on transcript NM_000088.4 (MANE Select); coding-DNA position 4172, A replaced by G.
Protein change: p.Gln1391Arg; replaces glutamine 1391 with arginine.
Molecular consequence: missense variant.
Genome position (GRCh38, 1-based): chr17:50,185,854, T>C on the plus strand (A>G on the coding strand, the complement: COL1A1 is on the minus strand). VCF-style: chr17-50185854-T-C. GRCh37 (hg19) VCF-style: chr17-48263215-T-C.
Other names: short protein forms Q1391R.
Identifiers: ClinVar variation 3835089 (VCV003835089.1).
Genomic context (GRCh38, chr17:50,185,854, plus strand): 5'-GTGACGCTGTAGGTGAAGCGGCTGTTGCCCTCGGCGCGGATCTCGATCTCGTTGGAGCCC[T>C]GGAGGAGCAGGGCCTTCTTGAGGTTGCCAGTCTGCTGGTCCATGTAGGCCACGCTGTTCT-3'
Protein context (NP_000079.2, residues 1381-1401): TGNLKKALLL[Gln1391Arg]GSNEIEIRAE

ClinVar aggregate classification (germline): Uncertain significance (1 of 4 stars; one submission).

Conditions:
Cardiovascular phenotype. Identifiers: MedGen CN230736.

gnomAD v4.1: 13 of 1,613,960 alleles (0.00081%); highest among the groups gnomAD compares: East Asian, 0.022%; no homozygotes.

Submission:

Ambry Genetics
Classification: Uncertain significance for Cardiovascular phenotype. Last evaluated: 2025-03-04. Review status: criteria provided, single submitter. Criteria: Ambry Variant Classification Scheme 2023. Collection method: clinical testing. Allele origin: germline.
Comment: The p.Q1391R variant (also known as c.4172A>G), located in coding exon 50 of the COL1A1 gene, results from an A to G substitution at nucleotide position 4172. The glutamine at codon 1391 is replaced by arginine, an amino acid with highly similar properties. This amino acid position is highly conserved in available vertebrate species. In addition, the in silico prediction for this alteration is inconclusive. Based on the available evidence, the clinical significance of this variant remains unclear.